The following is an entry in ClinVar:

ClinVar aggregate classification (germline): Uncertain significance (1 of 4 stars; one submission).

Conditions:
Epileptic encephalopathy. Identifiers: MedGen C0543888, HP:0200134.

Allele frequency attached by ClinVar (database versions not stated): gnomAD exomes 0.00001; ExAC 0.00002; TOPMed 0.00002.
gnomAD v4.1: 10 of 1,612,638 alleles (0.00062%); highest among the groups gnomAD compares: African/African-American, 0.0027%; no homozygotes.

Submission:

Labcorp Genetics (formerly Invitae), Labcorp
Classification: Uncertain significance for Epileptic encephalopathy. Last evaluated: 2023-12-31. Review status: criteria provided, single submitter. Criteria: Invitae Variant Classification Sherloc (09022015). Collection method: clinical testing. Allele origin: germline.
Comment: This sequence change replaces glutamic acid, which is acidic and polar, with lysine, which is basic and polar, at codon 908 of the FASN protein (p.Glu908Lys). This variant is present in population databases (rs764010871, gnomAD 0.007%). This variant has not been reported in the literature in individuals affected with FASN-related conditions. ClinVar contains an entry for this variant (Variation ID: 657275). An algorithm developed to predict the effect of missense changes on protein structure and function (PolyPhen-2) suggests that this variant is likely to be tolerated. In summary, the available evidence is currently insufficient to determine the role of this variant in disease. Therefore, it has been classified as a Variant of Uncertain Significance.

NM_004104.5(FASN):c.2722G>A (p.Glu908Lys)

Gene: FASN (fatty acid synthase; minus strand). Cytogenetic location: 17q25.3.
Variant type: single nucleotide variant.
Coding change: c.2722G>A on transcript NM_004104.5 (MANE Select); coding-DNA position 2722, G replaced by A.
Protein change: p.Glu908Lys; replaces glutamic acid 908 with lysine.
Molecular consequence: missense variant.
Genome position (GRCh38, 1-based): chr17:82,088,179, C>T on the plus strand (G>A on the coding strand, the complement: FASN is on the minus strand). VCF-style: chr17-82088179-C-T. GRCh37 (hg19) VCF-style: chr17-80046055-C-T.
Other names: short protein forms E908K.
Identifiers: ClinVar variation 657275 (VCV000657275.8), dbSNP rs764010871, ClinGen allele CA8852672.